The following is an entry in ClinVar:

ClinVar aggregate classification (germline): Conflicting classifications of pathogenicity. Review status: criteria provided, conflicting classifications (1 of 4 stars). 2 submissions from 2 submitters: Uncertain significance (1); Likely benign (1). Last evaluated 2025-09-29.

Conditions:
Genitopatellar syndrome (GTPTS). Also called: Genitopatellar syndrome (GPS); ABSENT PATELLAE, SCROTAL HYPOPLASIA, RENAL ANOMALIES, FACIAL DYSMORPHISM, AND MENTAL RETARDATION. Identifiers: Orphanet 85201, MedGen C1853566, MONDO:0011640, OMIM 606170.

Allele frequency attached by ClinVar (database versions not stated): gnomAD 0.00002; gnomAD exomes 0.00002; TOPMed 0.00002.

Submissions (2):

Labcorp Genetics (formerly Invitae), Labcorp
Classification: Uncertain significance for Genitopatellar syndrome. Last evaluated: 2025-09-29. Review status: criteria provided, single submitter. Criteria: Invitae Variant Classification Sherloc (09022015). Collection method: clinical testing. Allele origin: germline.
Comment: This sequence change replaces methionine, which is neutral and non-polar, with valine, which is neutral and non-polar, at codon 1169 of the KAT6B protein (p.Met1169Val). This variant is present in population databases (no rsID available, gnomAD 0.002%). This variant has not been reported in the literature in individuals affected with KAT6B-related conditions. ClinVar contains an entry for this variant (Variation ID: 2038845). Invitae Evidence Modeling of protein sequence and biophysical properties (such as structural, functional, and spatial information, amino acid conservation, physicochemical variation, residue mobility, and thermodynamic stability) has been performed for this missense variant. However, the output from this modeling did not meet the statistical confidence thresholds required to predict the impact of this variant on KAT6B protein function. In summary, the available evidence is currently insufficient to determine the role of this variant in disease. Therefore, it has been classified as a Variant of Uncertain Significance.

CeGaT Center for Human Genetics Tuebingen
Classification: Likely benign. Last evaluated: 2024-09-01. Review status: criteria provided, single submitter. Criteria: CeGaT Center For Human Genetics Tuebingen Variant Classification Criteria Version 2. Collection method: clinical testing. Allele origin: germline. Affected: yes. Observed: 1 variant allele.
Comment: KAT6B: BS2

NM_012330.4(KAT6B):c.3505A>G (p.Met1169Val)

Gene: KAT6B (lysine acetyltransferase 6B; plus strand). Cytogenetic location: 10q22.2.
Variant type: single nucleotide variant.
Coding change: c.3505A>G on transcript NM_012330.4 (MANE Select); coding-DNA position 3505, A replaced by G.
Protein change: p.Met1169Val; replaces methionine 1169 with valine.
Molecular consequence: missense variant.
Genome position (GRCh38, 1-based): chr10:75,025,090, A>G. VCF-style: chr10-75025090-A-G. GRCh37 (hg19) VCF-style: chr10-76784848-A-G.
Other names: c.2956A>G, p.Met986Val (NM_001256468.2, NM_001370138.1); c.2629A>G, p.Met877Val (NM_001256469.2, NM_001370139.1, NM_001370140.1 and 2 more transcripts); c.2467A>G, p.Met823Val (NM_001370132.1); c.1816A>G, p.Met606Val (NM_001370133.1); c.1420A>G, p.Met474Val (NM_001370134.1); c.1162A>G, p.Met388Val (NM_001370135.1); c.3505A>G, p.Met1169Val (NM_001370136.1, NM_001370137.1); c.2440A>G, p.Met814Val (NM_001370143.1, NM_001370144.1); short protein forms M388V, M474V, M606V, M823V, M877V, M1169V, M814V, M986V.
Identifiers: ClinVar variation 2038845 (VCV002038845.18), dbSNP rs1281390253, ClinGen allele CA377287828.
Genomic context (GRCh38, chr10:75,025,090, plus strand): 5'-ATTTCAGAGACGACAGAAGTACTGAATGAGCCCTTTGACAACTCAGATGAAGAGAGGCCA[A>G]TGCCACAGCTGGAGCCTACCTGTGAGATTGAAGTGGAGGAAGATGGCAGGAAGCCAGTCC-3'
Protein context (NP_036462.2, residues 1159-1179): PFDNSDEERP[Met1169Val]PQLEPTCEIE